The following is an entry in ClinVar:

ClinVar aggregate classification (germline): Uncertain significance (1 of 4 stars; one submission).

Conditions:
Severe combined immunodeficiency due to DNA-PKcs deficiency. Also called: IMMUNODEFICIENCY 26 WITH NEUROLOGIC ABNORMALITIES; Immunodeficiency 26 with or without neurologic abnormalities. Identifiers: Orphanet 317425, MedGen C4014833, MONDO:0014423, OMIM 615966.

gnomAD v4.1: 15 of 1,614,028 alleles (0.00093%); highest among the groups gnomAD compares: Non-Finnish European, 0.0013%; no homozygotes.

Submission:

Labcorp Genetics (formerly Invitae), Labcorp
Classification: Uncertain significance for Severe combined immunodeficiency due to DNA-PKcs deficiency. Last evaluated: 2021-04-03. Review status: criteria provided, single submitter. Criteria: Invitae Variant Classification Sherloc (09022015). Collection method: clinical testing. Allele origin: germline.
Comment: In summary, the available evidence is currently insufficient to determine the role of this variant in disease. Therefore, it has been classified as a Variant of Uncertain Significance. Experimental studies and prediction algorithms are not available or were not evaluated, and the functional significance of this variant is currently unknown. This variant has not been reported in the literature in individuals with PRKDC-related conditions. This variant is not present in population databases (ExAC no frequency). This sequence change replaces cysteine with glycine at codon 2403 of the PRKDC protein (p.Cys2403Gly). The cysteine residue is moderately conserved and there is a large physicochemical difference between cysteine and glycine.

NM_006904.7(PRKDC):c.7207T>G (p.Cys2403Gly)

Gene: PRKDC (protein kinase, DNA-activated, catalytic subunit; minus strand). Cytogenetic location: 8q11.21.
Variant type: single nucleotide variant.
Coding change: c.7207T>G on transcript NM_006904.7 (MANE Select); coding-DNA position 7207, T replaced by G.
Protein change: p.Cys2403Gly; replaces cysteine 2403 with glycine.
Molecular consequence: missense variant.
Genome position (GRCh38, 1-based): chr8:47,849,227, A>C on the plus strand (T>G on the coding strand, the complement: PRKDC is on the minus strand). VCF-style: chr8-47849227-A-C. GRCh37 (hg19) VCF-style: chr8-48761788-A-C.
Other names: c.7207T>G, p.Cys2403Gly (NM_001081640.2); short protein forms C2403G.
Identifiers: ClinVar variation 1373874 (VCV001373874.5), dbSNP rs2154500191, ClinGen allele CA371157531.